The following is an entry in ClinVar:

ClinVar aggregate classification (germline): Uncertain significance (1 of 4 stars; one submission).

Submission:

Labcorp Genetics (formerly Invitae), Labcorp
Classification: Uncertain significance. Last evaluated: 2023-09-04. Review status: criteria provided, single submitter. Criteria: Invitae Variant Classification Sherloc (09022015). Collection method: clinical testing. Allele origin: germline.
Comment: This sequence change replaces cysteine, which is neutral and slightly polar, with tyrosine, which is neutral and polar, at codon 350 of the CFP protein (p.Cys350Tyr). This variant is not present in population databases (gnomAD no frequency). This variant has not been reported in the literature in individuals affected with CFP-related conditions. Advanced modeling of protein sequence and biophysical properties (such as structural, functional, and spatial information, amino acid conservation, physicochemical variation, residue mobility, and thermodynamic stability) performed at Invitae indicates that this missense variant is expected to disrupt CFP protein function. In summary, the available evidence is currently insufficient to determine the role of this variant in disease. Therefore, it has been classified as a Variant of Uncertain Significance.

NM_001145252.3(CFP):c.1049G>A (p.Cys350Tyr)

Gene: CFP (complement factor properdin; minus strand). Cytogenetic location: Xp11.23.
Variant type: single nucleotide variant.
Coding change: c.1049G>A on transcript NM_001145252.3 (MANE Select); coding-DNA position 1049, G replaced by A.
Protein change: p.Cys350Tyr; replaces cysteine 350 with tyrosine.
Molecular consequence: missense variant.
Genome position (GRCh38, 1-based): chrX:47,626,411, C>T on the plus strand (G>A on the coding strand, the complement: CFP is on the minus strand). VCF-style: chrX-47626411-C-T. GRCh37 (hg19) VCF-style: chrX-47485810-C-T.
Other names: c.1049G>A, p.Cys350Tyr (NM_002621.2); short protein forms C350Y.
Identifiers: ClinVar variation 2996863 (VCV002996863.3), dbSNP rs2519716350, ClinGen allele CA412835335.